The following is an entry in ClinVar:

NM_001561.6(TNFRSF9):c.626G>A (p.Arg209His)

Gene: TNFRSF9 (TNF receptor superfamily member 9; minus strand). Cytogenetic location: 1p36.23.
Variant type: single nucleotide variant.
Coding change: c.626G>A on transcript NM_001561.6 (MANE Select); coding-DNA position 626, G replaced by A.
Protein change: p.Arg209His; replaces arginine 209 with histidine.
Molecular consequence: missense variant.
Genome position (GRCh38, 1-based): chr1:7,933,215, C>T on the plus strand (G>A on the coding strand, the complement: TNFRSF9 is on the minus strand). VCF-style: chr1-7933215-C-T. GRCh37 (hg19) VCF-style: chr1-7993275-C-T.
Other names: short protein forms R209H.
Identifiers: ClinVar variation 1482486 (VCV001482486.5), dbSNP rs1239035274, ClinGen allele CA338157997.
Genomic context (GRCh38, chr1:7,933,215, plus strand): 5'-ATCTTACGTTGTTTGAATATATACAGGAGTTTCTTTCTGCCCCGTTTAACAACAGAGAAA[C>T]GGAGCGTGAGGAAGAACAGCAGGAAGAGCAACGCAGTCGACGTCAGCGCAAGAAAGAAGG-3'
Protein context (NP_001552.2, residues 199-219): LLFLLFFLTL[Arg209His]FSVVKRGRKK

ClinVar aggregate classification (germline): Uncertain significance (1 of 4 stars; one submission).

Allele frequency attached by ClinVar (database versions not stated): gnomAD 0.00001; gnomAD exomes 0.00001.
gnomAD v4.1: 10 of 1,613,732 alleles (0.00062%); highest among the groups gnomAD compares: South Asian, 0.0011%; no homozygotes.

Submission:

Labcorp Genetics (formerly Invitae), Labcorp
Classification: Uncertain significance. Last evaluated: 2022-02-05. Review status: criteria provided, single submitter. Criteria: Invitae Variant Classification Sherloc (09022015). Collection method: clinical testing. Allele origin: germline.
Comment: This sequence change replaces arginine, which is basic and polar, with histidine, which is basic and polar, at codon 209 of the TNFRSF9 protein (p.Arg209His). This variant is present in population databases (no rsID available, gnomAD 0.002%). This variant has not been reported in the literature in individuals affected with TNFRSF9-related conditions. Algorithms developed to predict the effect of missense changes on protein structure and function output the following: SIFT: "Tolerated"; PolyPhen-2: "Benign"; Align-GVGD: "Class C0". The histidine amino acid residue is found in multiple mammalian species, which suggests that this missense change does not adversely affect protein function. In summary, the available evidence is currently insufficient to determine the role of this variant in disease. Therefore, it has been classified as a Variant of Uncertain Significance.